The following is an entry in ClinVar:

ClinVar aggregate classification (germline): Benign. Review status: criteria provided, multiple submitters, no conflicts (2 of 4 stars). 2 submissions from 2 submitters: Benign (2). Last evaluated 2017-04-27.

Conditions:
Congenital generalized lipodystrophy type 4. Also called: BERARDINELLI-SEIP CONGENITAL LIPODYSTROPHY, TYPE 4, WITH MUSCULAR DYSTROPHY. Identifiers: Orphanet 228429, MedGen C2750069, MONDO:0013225, OMIM 613327.

Allele frequency attached by ClinVar (database versions not stated): gnomAD 0.83625 and 0.84405; TOPMed 0.83701; 1000 Genomes Project 30x 0.85087; 1000 Genomes Project 0.85982; gnomAD exomes 0.90195.

Submissions (2):

Illumina Laboratory Services, Illumina
Classification: Benign for Congenital generalized lipodystrophy type 4. Last evaluated: 2017-04-27. Review status: criteria provided, single submitter. Criteria: ICSL Variant Classification Criteria 13 December 2019. Collection method: clinical testing. Allele origin: germline.
Comment: This variant was observed as part of a predisposition screen in an ostensibly healthy population. A literature search was performed for the gene, cDNA change, and amino acid change (where applicable). No publications were found based on this search. Allele frequency data from public databases was too high to be consistent with this variant causing disease. Therefore, this variant is classified as benign.

Breakthrough Genomics
Classification: Benign. Review status: criteria provided, single submitter. Criteria: ACMG Guidelines, 2015. Collection method: not provided. Allele origin: germline. Inheritance: Autosomal recessive inheritance. Affected: yes.

NM_012232.6(CAVIN1):c.*458C>T

Gene: CAVIN1 (caveolae associated protein 1; minus strand). Cytogenetic location: 17q21.2.
Variant type: single nucleotide variant.
Coding change: c.*458C>T on transcript NM_012232.6 (MANE Select); 458 bases downstream of the stop codon, C replaced by T.
Molecular consequence: 3 prime UTR variant.
Genome position (GRCh38, 1-based): chr17:42,404,229, G>A on the plus strand (C>T on the coding strand, the complement: CAVIN1 is on the minus strand). VCF-style: chr17-42404229-G-A. GRCh37 (hg19) VCF-style: chr17-40556247-G-A.
Identifiers: ClinVar variation 323271 (VCV000323271.6), dbSNP rs6416923, ClinGen allele CA10645679.